The following is an entry in ClinVar:

ClinVar aggregate classification (germline): Likely benign (0 of 4 stars; one submission).

Conditions:
MAP3K15-related disorder. Also called: MAP3K15-related condition.

Allele frequency attached by ClinVar (database versions not stated): ESP Exome Variant Server 0.00009; TOPMed 0.00012; gnomAD 0.00023; gnomAD exomes 0.00028; 1000 Genomes Project 30x 0.00104; 1000 Genomes Project 0.00132.
gnomAD v4.1: 331 of 1,185,869 alleles (0.028%); highest among the groups gnomAD compares: South Asian, 0.45%; 2 homozygotes.

Submission:

PreventionGenetics, part of Exact Sciences
Classification: Likely benign for MAP3K15-related condition. Last evaluated: 2019-03-26. Review status: no assertion criteria provided. Collection method: clinical testing. Allele origin: germline.
Comment: This variant is classified as likely benign based on ACMG/AMP sequence variant interpretation guidelines (Richards et al. 2015 PMID: 25741868, with internal and published modifications).

NM_001001671.4(MAP3K15):c.2868C>T (p.Asp956=)

Gene: MAP3K15 (mitogen-activated protein kinase kinase kinase 15; minus strand). Cytogenetic location: Xp22.12.
Variant type: single nucleotide variant.
Coding change: c.2868C>T on transcript NM_001001671.4 (MANE Select); coding-DNA position 2868, C replaced by T.
Protein change: p.Asp956=; no amino-acid change (aspartic acid 956 retained).
Molecular consequence: synonymous variant.
Genome position (GRCh38, 1-based): chrX:19,373,601, G>A on the plus strand (C>T on the coding strand, the complement: MAP3K15 is on the minus strand). VCF-style: chrX-19373601-G-A. GRCh37 (hg19) VCF-style: chrX-19391719-G-A.
Identifiers: ClinVar variation 3047385 (VCV003047385.2), dbSNP rs193102767, ClinGen allele CA10363630.
Genomic context (GRCh38, chrX:19,373,601, plus strand): 5'-GAGGTGGCCAAGGTGGTGCCTGGGCGCCCGGGTCCTCTCAAAGAGTGCGTCAGGCTGGGC[G>A]TCGGAGTCTGGGGAGACAGAGCCGTGCTCGCTGCTGCTGGTGGCCATGGGCTCTCCCTGT-3'
Protein context (NP_001001671.3, residues 946-966): SEHGSVSPDS[Asp956=]AQPDALFERT